The following is an entry in ClinVar:

NM_001401501.2(MUC16):c.43524C>T (p.Val14508=)

Gene: MUC16 (mucin 16, cell surface associated; minus strand). Cytogenetic location: 19p13.2.
Variant type: single nucleotide variant.
Coding change: c.43524C>T on transcript NM_001401501.2 (MANE Select); coding-DNA position 43524, C replaced by T.
Protein change: p.Val14508=; no amino-acid change (valine 14508 retained).
Molecular consequence: synonymous variant.
Genome position (GRCh38, 1-based): chr19:8,886,748, G>A on the plus strand (C>T on the coding strand, the complement: MUC16 is on the minus strand). VCF-style: chr19-8886748-G-A. GRCh37 (hg19) VCF-style: chr19-8997424-G-A.
Other names: c.43950C>T, p.Val14650= (NM_001414686.1); c.43404C>T, p.Val14468= (NM_001414687.1); c.40998C>T, p.Val13666= (NM_024690.2).
Identifiers: ClinVar variation 3055712 (VCV003055712.2), dbSNP rs767470256, ClinGen allele CA305064325.

ClinVar aggregate classification (germline): Likely benign (0 of 4 stars; one submission).

Conditions:
MUC16-related disorder. Also called: MUC16-related condition.

Submission:

PreventionGenetics, part of Exact Sciences
Classification: Likely benign for MUC16-related condition. Last evaluated: 2019-10-17. Review status: no assertion criteria provided. Collection method: clinical testing. Allele origin: germline.
Comment: This variant is classified as likely benign based on ACMG/AMP sequence variant interpretation guidelines (Richards et al. 2015 PMID: 25741868, with internal and published modifications).